The following is an entry in ClinVar:

NM_022336.4(EDAR):c.1229A>G (p.Glu410Gly)

Genes: EDAR (ectodysplasin A receptor; minus strand), RANBP2 (RAN binding protein 2; plus strand). Cytogenetic location: 2q13.
Variant type: single nucleotide variant.
Coding change: c.1229A>G on transcript NM_022336.4 (MANE Select); coding-DNA position 1229, A replaced by G.
Protein change: p.Glu410Gly; replaces glutamic acid 410 with glycine.
Molecular consequence: missense variant.
Genome position (GRCh38, 1-based): chr2:108,897,025, T>C on the plus strand (A>G on the coding strand, the complement: EDAR is on the minus strand). VCF-style: chr2-108897025-T-C. GRCh37 (hg19) VCF-style: chr2-109513481-T-C.
Other names: short protein forms E410G.
Identifiers: ClinVar variation 418175 (VCV000418175.2), dbSNP rs1064793107, ClinGen allele CA16617224.

ClinVar aggregate classification (germline): Likely pathogenic (1 of 4 stars; one submission).

Submission:

GeneDx
Classification: Likely pathogenic. Last evaluated: 2015-05-27. Review status: criteria provided, single submitter. Criteria: GeneDx Variant Classification (06012015). Collection method: clinical testing. Allele origin: germline. Affected: yes.
Comment: The E410G variant has not been published as a pathogenic variant, nor has it been reported as a benign polymorphism to our knowledge. It was not observed in approximately 6,500 individuals of European and African American ancestry in the NHLBI Exome Sequencing Project, indicating it is not a common benign variant in these populations. E410G is a non-conservative amino acid substitution as a large, negatively charged Glutamic Acid residue is replaced with a small, neutral Glycine residue at a position that is well conserved across species and related proteins. Missense variants in nearby residues (T403M, I408F, T413P, I418T, R420Q) have been reported in the Human Gene Mutation Database in association with HED (Stenson et al., 2014), supporting the functional importance of this region of the protein. Therefore, E410G is a strong candidate for a disease-causing variant, however the possibility that it is a benign variant cannot be excluded.